The following is an entry in ClinVar:

ClinVar aggregate classification (germline): Benign (1 of 4 stars; one submission).

Allele frequency attached by ClinVar (database versions not stated): 1000 Genomes Project 30x 0.00094; 1000 Genomes Project 0.00100; ESP Exome Variant Server 0.00120; gnomAD 0.00123; TOPMed 0.00150; gnomAD exomes 0.00009; ExAC 0.00030.

Submission:

CeGaT Center for Human Genetics Tuebingen
Classification: Benign. Last evaluated: 2022-09-01. Review status: criteria provided, single submitter. Criteria: CeGaT Center For Human Genetics Tuebingen Variant Classification Criteria Version 2. Collection method: clinical testing. Allele origin: germline. Affected: yes. Observed: 1 variant allele.
Comment: DSPP: BS1, BS2

NM_014208.3(DSPP):c.3901G>T (p.Asp1301Tyr)

Genes: DMP1-AS1 (DMP1 and DSPP antisense RNA 1; minus strand), DSPP (dentin sialophosphoprotein; plus strand). Cytogenetic location: 4q22.1.
Variant type: single nucleotide variant.
Coding change: c.3901G>T on transcript NM_014208.3 (MANE Select); coding-DNA position 3901, G replaced by T.
Protein change: p.Asp1301Tyr; replaces aspartic acid 1301 with tyrosine.
Molecular consequence: missense variant.
Genome position (GRCh38, 1-based): chr4:87,616,563, G>T. VCF-style: chr4-87616563-G-T. GRCh37 (hg19) VCF-style: chr4-88537715-G-T.
Other names: short protein forms D1301Y.
Identifiers: ClinVar variation 2654934 (VCV002654934.24), dbSNP rs148827799, ClinGen allele CA3001895.